The following is an entry in ClinVar:

ClinVar aggregate classification (germline): Uncertain significance. Review status: criteria provided, multiple submitters, no conflicts (2 of 4 stars). 2 submissions from 2 submitters: Uncertain significance (2). Last evaluated 2026-08-27.

Conditions:
Hereditary cancer-predisposing syndrome. Also called: Tumor predisposition; Hereditary neoplastic syndrome; Neoplastic Syndromes, Hereditary; Hereditary Cancer Syndrome. Identifiers: Orphanet 140162, MedGen C0027672, MeSH D009386, MONDO:0015356.

Submissions (2):

Ambry Genetics
Classification: Uncertain significance for Hereditary cancer-predisposing syndrome. Last evaluated: 2026-08-27. Review status: criteria provided, single submitter. Criteria: Ambry Variant Classification Scheme 2023. Collection method: clinical testing. Allele origin: germline.
Comment: The p.E1129Q variant (also known as c.3385G>C), located in coding exon 24 of the MSH3 gene, results from a G to C substitution at nucleotide position 3385. The glutamic acid at codon 1129 is replaced by glutamine, an amino acid with highly similar properties. This amino acid position is well conserved in available vertebrate species. In addition, this alteration is predicted to be tolerated by in silico analysis. Based on the available evidence, the clinical significance of this variant remains unclear.

Labcorp Genetics (formerly Invitae), Labcorp
Classification: Uncertain significance. Last evaluated: 2022-07-06. Review status: criteria provided, single submitter. Criteria: Invitae Variant Classification Sherloc (09022015). Collection method: clinical testing. Allele origin: germline.
Comment: ClinVar contains an entry for this variant (Variation ID: 835657). In summary, the available evidence is currently insufficient to determine the role of this variant in disease. Therefore, it has been classified as a Variant of Uncertain Significance. Algorithms developed to predict the effect of missense changes on protein structure and function output the following: SIFT: "Tolerated"; PolyPhen-2: "Benign"; Align-GVGD: "Class C0". The glutamine amino acid residue is found in multiple mammalian species, which suggests that this missense change does not adversely affect protein function. This variant has not been reported in the literature in individuals affected with MSH3-related conditions. This variant is not present in population databases (gnomAD no frequency). This sequence change replaces glutamic acid, which is acidic and polar, with glutamine, which is neutral and polar, at codon 1129 of the MSH3 protein (p.Glu1129Gln).

NM_002439.5(MSH3):c.3385G>C (p.Glu1129Gln)

Gene: MSH3 (mutS homolog 3; plus strand). Cytogenetic location: 5q14.1.
Variant type: single nucleotide variant.
Coding change: c.3385G>C on transcript NM_002439.5 (MANE Select); coding-DNA position 3385, G replaced by C.
Protein change: p.Glu1129Gln; replaces glutamic acid 1129 with glutamine.
Molecular consequence: missense variant.
Genome position (GRCh38, 1-based): chr5:80,875,833, G>C. VCF-style: chr5-80875833-G-C. GRCh37 (hg19) VCF-style: chr5-80171652-G-C.
Other names: c.3385G>C (NM_002439.3); short protein forms E1129Q.
Identifiers: ClinVar variation 835657 (VCV000835657.8), dbSNP rs1746299802, ClinGen allele CA360347454.